The following is an entry in ClinVar:

NM_001003800.2(BICD2):c.1121A>G (p.Glu374Gly)

Gene: BICD2 (BICD cargo adaptor 2; minus strand). Cytogenetic location: 9q22.31.
Variant type: single nucleotide variant.
Coding change: c.1121A>G on transcript NM_001003800.2 (MANE Select); coding-DNA position 1121, A replaced by G.
Protein change: p.Glu374Gly; replaces glutamic acid 374 with glycine.
Molecular consequence: missense variant.
Genome position (GRCh38, 1-based): chr9:92,719,524, T>C on the plus strand (A>G on the coding strand, the complement: BICD2 is on the minus strand). VCF-style: chr9-92719524-T-C. GRCh37 (hg19) VCF-style: chr9-95481806-T-C.
Other names: c.1121A>G, p.Glu374Gly (NM_015250.4); short protein forms E374G.
Identifiers: ClinVar variation 1313536 (VCV001313536.2), dbSNP rs2131501343, ClinGen allele CA374040603.
Genomic context (GRCh38, chr9:92,719,524, plus strand): 5'-AGATTCTCTGTGAGGCGGGTCACCTTCTCCTGCTGTTCTGACAGGGAGCCCCGCGTGTGC[T>C]CCAGCTGCTTCTGTGTGTCCTGCAGCGTTGCCAGCAGGCCCGCCTTTTCCCGCTCCATCT-3'
Protein context (NP_001003800.1, residues 364-384): ATLQDTQKQL[Glu374Gly]HTRGSLSEQQ

ClinVar aggregate classification (germline): Uncertain significance (1 of 4 stars; one submission).

Allele frequency attached by ClinVar (database versions not stated): gnomAD exomes below 0.00001.
gnomAD v4.1: 1 of 1,613,130 alleles (0.000062%); highest among the groups gnomAD compares: Non-Finnish European, 0.000085%; no homozygotes.

Submission:

GeneDx
Classification: Uncertain significance. Last evaluated: 2020-02-04. Review status: criteria provided, single submitter. Criteria: GeneDx Variant Classification Process June 2021. Collection method: clinical testing. Allele origin: germline. Affected: yes.
Comment: Not observed in large population cohorts (Lek et al., 2016); Missense variants in this gene are often considered pathogenic (Stenson et al., 2014); In silico analysis supports that this missense variant has a deleterious effect on protein structure/function; Has not been previously published as pathogenic or benign to our knowledge